The following is an entry in ClinVar:

ClinVar aggregate classification (germline): Uncertain significance (1 of 4 stars; one submission).

Submission:

Labcorp Genetics (formerly Invitae), Labcorp
Classification: Uncertain significance. Last evaluated: 2023-11-27. Review status: criteria provided, single submitter. Criteria: Invitae Variant Classification Sherloc (09022015). Collection method: clinical testing. Allele origin: germline.
Comment: This sequence change replaces aspartic acid, which is acidic and polar, with glycine, which is neutral and non-polar, at codon 255 of the ARPC1B protein (p.Asp255Gly). This variant is not present in population databases (gnomAD no frequency). This variant has not been reported in the literature in individuals affected with ARPC1B-related conditions. ClinVar contains an entry for this variant (Variation ID: 2009283). Advanced modeling of protein sequence and biophysical properties (such as structural, functional, and spatial information, amino acid conservation, physicochemical variation, residue mobility, and thermodynamic stability) performed at Invitae indicates that this missense variant is not expected to disrupt ARPC1B protein function with a negative predictive value of 80%. In summary, the available evidence is currently insufficient to determine the role of this variant in disease. Therefore, it has been classified as a Variant of Uncertain Significance.

NM_005720.4(ARPC1B):c.764A>G (p.Asp255Gly)

Gene: ARPC1B (actin related protein 2/3 complex subunit 1B; plus strand). Cytogenetic location: 7q22.1.
Variant type: single nucleotide variant.
Coding change: c.764A>G on transcript NM_005720.4 (MANE Select); coding-DNA position 764, A replaced by G.
Protein change: p.Asp255Gly; replaces aspartic acid 255 with glycine.
Molecular consequence: missense variant.
Genome position (GRCh38, 1-based): chr7:99,391,234, A>G. VCF-style: chr7-99391234-A-G. GRCh37 (hg19) VCF-style: chr7-98988857-A-G.
Other names: short protein forms D255G.
Identifiers: ClinVar variation 2009283 (VCV002009283.4), dbSNP rs2484644058, ClinGen allele CA368325466.